The following is an entry in ClinVar:

ClinVar aggregate classification (germline): Likely benign. Review status: criteria provided, multiple submitters, no conflicts (2 of 4 stars). 2 submissions from 2 submitters: Likely benign (2). Last evaluated 2023-10-17.

Conditions:
Glycogen storage disease, type II (IOPD). Also called: CARDIOMEGALIA GLYCOGENICA DIFFUSA; ACID ALPHA-GLUCOSIDASE DEFICIENCY, INFANTILE-ONSET; GAA DEFICIENCY, INFANTILE-ONSET; ACID MALTASE DEFICIENCY, INFANTILE-ONSET; Glucosidase acid-1,4-alpha deficiency; Pompe Disease. Identifiers: Orphanet 365, MedGen C0017921, MONDO:0009290, OMIM 232300.

Allele frequency attached by ClinVar (database versions not stated): TOPMed below 0.00001; ExAC 0.00001; gnomAD 0.00001; gnomAD exomes 0.00001; ESP Exome Variant Server 0.00008.
gnomAD v4.1: 4 of 1,610,154 alleles (0.00025%); highest among the groups gnomAD compares: Non-Finnish European, 0.00034%; no homozygotes.

Submissions (2):

Labcorp Genetics (formerly Invitae), Labcorp
Classification: Likely benign for Glycogen storage disease, type II. Last evaluated: 2023-10-17. Review status: criteria provided, single submitter. Criteria: Invitae Variant Classification Sherloc (09022015). Collection method: clinical testing. Allele origin: germline.

GeneDx
Classification: Likely benign. Last evaluated: 2017-11-16. Review status: criteria provided, single submitter. Criteria: GeneDx Variant Classification (06012015). Collection method: clinical testing. Allele origin: germline. Affected: yes.
Comment: This variant is considered likely benign or benign based on one or more of the following criteria: it is a conservative change, it occurs at a poorly conserved position in the protein, it is predicted to be benign by multiple in silico algorithms, and/or has population frequency not consistent with disease.

NM_000152.5(GAA):c.2025C>T (p.Asn675=)

Gene: GAA (alpha glucosidase; plus strand). Cytogenetic location: 17q25.3.
Variant type: single nucleotide variant.
Coding change: c.2025C>T on transcript NM_000152.5 (MANE Select); coding-DNA position 2025, C replaced by T.
Protein change: p.Asn675=; no amino-acid change (asparagine 675 retained).
Molecular consequence: synonymous variant.
Genome position (GRCh38, 1-based): chr17:80,113,012, C>T. VCF-style: chr17-80113012-C-T. GRCh37 (hg19) VCF-style: chr17-78086811-C-T.
Other names: c.2025C>T (LRG_673t1); c.2025C>T, p.Asn675= (NM_001079803.3, NM_001079804.3).
Identifiers: ClinVar variation 513469 (VCV000513469.10), dbSNP rs143951130, ClinGen allele CA8815568.
Genomic context (GRCh38, chr17:80,113,012, plus strand): 5'-GGAGCTGTGTGTGCGCTGGACCCAGCTGGGGGCCTTCTACCCCTTCATGCGGAACCACAA[C>T]AGCCTGCTCAGTCTGGTAGGGTGGGGGTGGCGGCATGGCAGGTGGGCGATCCCACCCACC-3'
Protein context (NP_000143.2, residues 665-685): GAFYPFMRNH[Asn675=]SLLSLPQEPY